The following is an entry in ClinVar:

NM_201384.3(PLEC):c.13449C>T (p.Ser4483=)

Gene: PLEC (plectin; minus strand). Cytogenetic location: 8q24.3.
Variant type: single nucleotide variant.
Coding change: c.13449C>T on transcript NM_201384.3 (MANE Select); coding-DNA position 13449, C replaced by T.
Protein change: p.Ser4483=; no amino-acid change (serine 4483 retained).
Molecular consequence: synonymous variant.
Genome position (GRCh38, 1-based): chr8:143,916,372, G>A on the plus strand (C>T on the coding strand, the complement: PLEC is on the minus strand). VCF-style: chr8-143916372-G-A. GRCh37 (hg19) VCF-style: chr8-144990540-G-A.
Other names: c.13530C>T, p.Ser4510= (NM_000445.5); c.13407C>T, p.Ser4469= (NM_201378.4); c.13383C>T, p.Ser4461= (NM_201379.3); c.13860C>T, p.Ser4620= (NM_201380.4); c.13353C>T, p.Ser4451= (NM_201381.3); c.13449C>T, p.Ser4483= (NM_201382.4); c.13461C>T, p.Ser4487= (NM_201383.3).
Identifiers: ClinVar variation 471542 (VCV000471542.29), dbSNP rs782187551, ClinGen allele CA4923806.

ClinVar aggregate classification (germline): Conflicting classifications of pathogenicity. Review status: criteria provided, conflicting classifications (1 of 4 stars). 4 submissions from 4 submitters: Uncertain significance (1); Likely benign (3). Last evaluated 2025-12-09.

Conditions:
Epidermolysis bullosa simplex, Ogna type (EBS5A). Also called: Pidermolysis bullosa simplex 5A, Ogna type; EPIDERMOLYSIS BULLOSA SIMPLEX 5A, OGNA TYPE. Identifiers: Orphanet 79401, MedGen C0432317, MONDO:0007555, OMIM 131950.
Autosomal recessive limb-girdle muscular dystrophy type 2Q (LGMDR17). Also called: MUSCULAR DYSTROPHY, LIMB-GIRDLE, AUTOSOMAL RECESSIVE 17. Identifiers: Orphanet 254361, MedGen C3150989, MONDO:0013390, OMIM 613723.
Epidermolysis bullosa simplex 5B, with muscular dystrophy (EBS5B). Also called: Epidermolysis bullosa simplex with muscular dystrophy; EPIDERMOLYSIS BULLOSA SIMPLEX AND LIMB-GIRDLE MUSCULAR DYSTROPHY. Identifiers: Orphanet 257, MedGen C2931072, MONDO:0009181, OMIM 226670.
Epidermolysis bullosa simplex with nail dystrophy (EBS5D). Identifiers: MedGen C4225309, MONDO:0014661, OMIM 616487.
Epidermolysis bullosa simplex 5C, with pyloric atresia (EBS5C). Also called: PLEC-Related Epidermolysis Bullosa with Pyloric Atresia; Epidermolysis bullosa simplex with pyloric atresia; PLEC1-Related Epidermolysis Bullosa with Pyloric Atresia. Identifiers: Orphanet 158684, MedGen C2677349, MONDO:0012807, OMIM 612138.
PLEC-related disorder. Also called: PLEC-related condition; PLEC-related disorders.

Allele frequency attached by ClinVar (database versions not stated): ExAC 0.00004; gnomAD exomes 0.00004; gnomAD 0.00005; TOPMed 0.00007; 1000 Genomes Project 30x 0.00016.
gnomAD v4.1: 40 of 1,610,142 alleles (0.0025%); highest among the groups gnomAD compares: African/African-American, 0.015%; no homozygotes.

Submissions (4):

PreventionGenetics, part of Exact Sciences
Classification: Likely benign for PLEC-related condition. Last evaluated: 2025-12-09. Review status: criteria provided, single submitter. Criteria: ACMG Guidelines, 2015. Collection method: clinical testing. Allele origin: germline.
Comment: This variant is classified as likely benign based on ACMG/AMP sequence variant interpretation guidelines (Richards et al. 2015 PMID: 25741868, with internal and published modifications).

Labcorp Genetics (formerly Invitae), Labcorp
Classification: Likely benign for Autosomal recessive limb-girdle muscular dystrophy type 2Q; Epidermolysis bullosa simplex, Ogna type; Epidermolysis bullosa simplex with nail dystrophy; Epidermolysis bullosa simplex 5C, with pyloric atresia; Epidermolysis bullosa simplex 5B, with muscular dystrophy. Last evaluated: 2025-10-24. Review status: criteria provided, single submitter. Criteria: Invitae Variant Classification Sherloc (09022015). Collection method: clinical testing. Allele origin: germline.

CeGaT Center for Human Genetics Tuebingen
Classification: Likely benign. Last evaluated: 2024-08-01. Review status: criteria provided, single submitter. Criteria: CeGaT Center For Human Genetics Tuebingen Variant Classification Criteria Version 2. Collection method: clinical testing. Allele origin: germline. Affected: yes. Observed: 1 variant allele.
Comment: PLEC: BP4, BP7

Eurofins Ntd Llc (ga)
Classification: Uncertain significance. Last evaluated: 2017-06-08. Review status: criteria provided, single submitter. Criteria: EGL Classification Definitions 2015. Collection method: clinical testing. Allele origin: germline. Observed: 1 variant allele, 1 heterozygote.